The following is an entry in ClinVar:

NM_000038.6(APC):c.6200A>G (p.Asn2067Ser)

Gene: APC (APC regulator of Wnt signaling pathway; plus strand). Cytogenetic location: 5q22.2.
Variant type: single nucleotide variant.
Coding change: c.6200A>G on transcript NM_000038.6 (MANE Select); coding-DNA position 6200, A replaced by G.
Protein change: p.Asn2067Ser; replaces asparagine 2067 with serine.
Molecular consequence: missense variant.
Genome position (GRCh38, 1-based): chr5:112,841,794, A>G. VCF-style: chr5-112841794-A-G. GRCh37 (hg19) VCF-style: chr5-112177491-A-G.
Other names: c.6200A>G, p.Asn2067Ser (NM_001127510.3, NM_001354895.2); c.6146A>G, p.Asn2049Ser (NM_001127511.3); c.6254A>G, p.Asn2085Ser (NM_001354896.2); c.6230A>G, p.Asn2077Ser (NM_001354897.2); c.6125A>G, p.Asn2042Ser (NM_001354898.2); c.6116A>G, p.Asn2039Ser (NM_001354899.2); c.6077A>G, p.Asn2026Ser (NM_001354900.2); c.6023A>G, p.Asn2008Ser (NM_001354901.2); and 5 more; short protein forms N2067S, N2049S, N1907S, N1941S, N1976S, N2008S, N2077S, N1784S.
Identifiers: ClinVar variation 580098 (VCV000580098.10), dbSNP rs1561605775, ClinGen allele CA16034912.
Genomic context (GRCh38, chr5:112,841,794, plus strand): 5'-TGCCAAAAAAGAAAAAGCCTTCAAGACTCAAGGGTGATAATGAAAAACATAGTCCCAGAA[A>G]TATGGGTGGCATATTAGGTGAAGATCTGACACTTGATTTGAAAGATATACAGAGACCAGA-3'
Protein context (NP_000029.2, residues 2057-2077): KGDNEKHSPR[Asn2067Ser]MGGILGEDLT

ClinVar aggregate classification (germline): Uncertain significance (1 of 4 stars; one submission).

Conditions:
Familial adenomatous polyposis 1 (FAP1). Also called: FAMILIAL ADENOMATOUS POLYPOSIS 1, ATTENUATED; POLYPOSIS, ADENOMATOUS INTESTINAL. Identifiers: MedGen C2713442, MONDO:0021056, OMIM 175100. Disease mechanism: loss of function.

Submission:

Labcorp Genetics (formerly Invitae), Labcorp
Classification: Uncertain significance for Familial adenomatous polyposis 1. Last evaluated: 2018-04-25. Review status: criteria provided, single submitter. Criteria: Invitae Variant Classification Sherloc (09022015). Collection method: clinical testing. Allele origin: germline.
Comment: Algorithms developed to predict the effect of missense changes on protein structure and function (SIFT, PolyPhen-2, Align-GVGD) all suggest that this variant is likely to be tolerated, but these predictions have not been confirmed by published functional studies and their clinical significance is uncertain. Algorithms developed to predict the effect of sequence changes on RNA splicing suggest that this variant may create or strengthen a splice site, but this prediction has not been confirmed by published transcriptional studies. In summary, the available evidence is currently insufficient to determine the role of this variant in disease. Therefore, it has been classified as a Variant of Uncertain Significance. This variant is not present in population databases (ExAC no frequency). This variant has not been reported in the literature in individuals with APC-related disease. This sequence change replaces asparagine with serine at codon 2067 of the APC protein (p.Asn2067Ser). The asparagine residue is moderately conserved and there is a small physicochemical difference between asparagine and serine.